The following is an entry in ClinVar:

ClinVar aggregate classification (germline): Uncertain significance (1 of 4 stars; one submission).

Submission:

Labcorp Genetics (formerly Invitae), Labcorp
Classification: Uncertain significance. Last evaluated: 2022-05-10. Review status: criteria provided, single submitter. Criteria: Invitae Variant Classification Sherloc (09022015). Collection method: clinical testing. Allele origin: germline.
Comment: This sequence change creates a premature translational stop signal (p.Ser2496Cysfs*6) in the HMCN1 gene. It is expected to result in an absent or disrupted protein product. However, the current clinical and genetic evidence is not sufficient to establish whether loss-of-function variants in HMCN1 cause disease. In summary, the available evidence is currently insufficient to determine the role of this variant in disease. Therefore, it has been classified as a Variant of Uncertain Significance. This variant has not been reported in the literature in individuals affected with HMCN1-related conditions. This variant is not present in population databases (gnomAD no frequency).

NM_031935.3(HMCN1):c.7486_7487del (p.Ser2496fs)

Gene: HMCN1 (hemicentin 1; plus strand). Cytogenetic location: 1q31.1.
Variant type: Microsatellite.
Coding change: c.7486_7487del on transcript NM_031935.3 (MANE Select); coding-DNA positions 7486 to 7487, 2 bases deleted (AG; older notation c.7486_7487delAG).
Protein change: p.Ser2496fs; shifts the reading frame from serine 2496.
Molecular consequence: frameshift variant.
Genome position (GRCh38, 1-based): chr1:186,062,573-186,062,574, AG deleted; deleting any 2 consecutive bases within chr1:186,062,571-186,062,574 gives the same sequence; the c. name uses the placement nearest the transcript's 3' end. VCF-style (leftmost placement, unchanged base first): chr1-186062570-CAG-C. GRCh37 (hg19) VCF-style: chr1-186031702-CAG-C.
Other names: short protein forms S2496fs.
Identifiers: ClinVar variation 1987357 (VCV001987357.4), dbSNP rs1657774238, ClinGen allele CA1212981504.